The following is an entry in ClinVar:

ClinVar aggregate classification (germline): Uncertain significance. Review status: criteria provided, multiple submitters, no conflicts (2 of 4 stars). 2 submissions from 2 submitters: Uncertain significance (2). Last evaluated 2024-11-09.

Allele frequency attached by ClinVar (database versions not stated): gnomAD exomes 0.00004; ExAC 0.00005; ESP Exome Variant Server 0.00008; gnomAD 0.00019 and 0.00021; 1000 Genomes Project 0.00020; TOPMed 0.00029; 1000 Genomes Project 30x 0.00031.
gnomAD v4.1: 72 of 1,598,914 alleles (0.0045%); highest among the groups gnomAD compares: African/African-American, 0.082%; 1 homozygote.

Submissions (2):

Ambry Genetics
Classification: Uncertain significance. Last evaluated: 2024-11-09. Review status: criteria provided, single submitter. Criteria: Ambry Variant Classification Scheme 2023. Collection method: clinical testing. Allele origin: germline.

Labcorp Genetics (formerly Invitae), Labcorp
Classification: Uncertain significance. Last evaluated: 2021-12-04. Review status: criteria provided, single submitter. Criteria: Invitae Variant Classification Sherloc (09022015). Collection method: clinical testing. Allele origin: germline.
Comment: This sequence change replaces leucine, which is neutral and non-polar, with valine, which is neutral and non-polar, at codon 565 of the PIK3C2A protein (p.Leu565Val). This variant is present in population databases (rs189274292, gnomAD 0.06%). This variant has not been reported in the literature in individuals affected with PIK3C2A-related conditions. Experimental studies and prediction algorithms are not available or were not evaluated, and the functional significance of this variant is currently unknown. In summary, the available evidence is currently insufficient to determine the role of this variant in disease. Therefore, it has been classified as a Variant of Uncertain Significance.

NM_002645.4(PIK3C2A):c.1693C>G (p.Leu565Val)

Gene: PIK3C2A (phosphatidylinositol-4-phosphate 3-kinase catalytic subunit type 2 alpha; minus strand). Cytogenetic location: 11p15.1.
Variant type: single nucleotide variant.
Coding change: c.1693C>G on transcript NM_002645.4 (MANE Select); coding-DNA position 1693, C replaced by G.
Protein change: p.Leu565Val; replaces leucine 565 with valine.
Molecular consequence: missense variant.
Genome position (GRCh38, 1-based): chr11:17,145,679, G>C on the plus strand (C>G on the coding strand, the complement: PIK3C2A is on the minus strand). VCF-style: chr11-17145679-G-C. GRCh37 (hg19) VCF-style: chr11-17167226-G-C.
Other names: c.1693C>G, p.Leu565Val (NM_001321378.2, NM_001386870.1); c.553C>G, p.Leu185Val (NM_001321380.2); c.1693C>G (NM_002645.2); short protein forms L185V, L565V.
Identifiers: ClinVar variation 1361799 (VCV001361799.5), dbSNP rs189274292, ClinGen allele CA5901290.